The following is an entry in ClinVar:

NM_001267550.2(TTN):c.62530_62531del (p.Val20844fs)

Genes: TTN-AS1 (TTN antisense RNA 1; plus strand), TTN (titin; minus strand). Cytogenetic location: 2q31.2.
Variant type: Deletion.
Coding change: c.62530_62531del on transcript NM_001267550.2 (MANE Select); coding-DNA positions 62530 to 62531, 2 bases deleted (GT; older notation c.62530_62531delGT).
Protein change: p.Val20844fs; shifts the reading frame from valine 20844.
Molecular consequence: frameshift variant.
Genome position (GRCh38, 1-based): chr2:178,589,194-178,589,195, AC deleted on the plus strand (GT on the coding strand, the reverse complement: TTN is on the minus strand). VCF-style (leftmost placement, unchanged base first): chr2-178589193-AAC-A. GRCh37 (hg19) VCF-style: chr2-179453920-AAC-A.
Other names: c.57607_57608del, p.Val19203fs (NM_001256850.1); c.35335_35336del, p.Val11779fs (NM_003319.4); c.54826_54827del, p.Val18276fs (NM_133378.4); c.35710_35711del, p.Val11904fs (NM_133432.3); c.35911_35912del, p.Val11971fs (NM_133437.4); short protein forms V11904fs, V18276fs, V11971fs, V19203fs, V11779fs, V20844fs.
Identifiers: ClinVar variation 2946746 (VCV002946746.3), dbSNP rs2469382170, ClinGen allele CA2740096075.

ClinVar aggregate classification (germline): Likely pathogenic (1 of 4 stars; one submission).

Conditions:
Dilated cardiomyopathy 1G (CMD1G). Identifiers: Orphanet 154, MedGen C1858763, MONDO:0011400, OMIM 604145.
Autosomal recessive limb-girdle muscular dystrophy type 2J (LGMDR10). Also called: Limb-girdle muscular dystrophy, type 2J; MUSCULAR DYSTROPHY, LIMB-GIRDLE, AUTOSOMAL RECESSIVE 10. Identifiers: Orphanet 140922, MedGen C1837342, MONDO:0012127, OMIM 608807.

Submission:

Labcorp Genetics (formerly Invitae), Labcorp
Classification: Likely pathogenic for Dilated cardiomyopathy 1G; Autosomal recessive limb-girdle muscular dystrophy type 2J. Last evaluated: 2023-04-15. Review status: criteria provided, single submitter. Criteria: Invitae Variant Classification Sherloc (09022015). Collection method: clinical testing. Allele origin: germline.
Comment: In summary, the currently available evidence indicates that the variant is pathogenic, but additional data are needed to prove that conclusively. Therefore, this variant has been classified as Likely Pathogenic. This variant is located in the A band of TTN (PMID: 25589632). Truncating variants in this region are significantly overrepresented in patients affected with dilated cardiomyopathy (PMID: 25589632). Truncating variants in this region have also been reported in individuals affected with autosomal recessive centronuclear myopathy (PMID: 23975875). This variant has not been reported in the literature in individuals affected with TTN-related conditions. This variant is not present in population databases (gnomAD no frequency). This sequence change creates a premature translational stop signal (p.Val20844Tyrfs*4) in the TTN gene. While this is not anticipated to result in nonsense mediated decay, it is expected to create a truncated TTN protein.

Literature cited by the submitters: PubMed 25589632; PubMed 23975875.